The following is an entry in ClinVar:

ClinVar aggregate classification (germline): Likely pathogenic. Review status: reviewed by expert panel (3 of 4 stars). 10 submissions from 10 submitters: Likely pathogenic (1). 9 of the submissions do not count toward it. Last evaluated 2018-09-11.

Conditions:
Phenylketonuria (PKU). Also called: Phenylketonuria (PKU); FOLLING DISEASE; OLIGOPHRENIA PHENYLPYRUVICA; Phenylketonurias. Identifiers: Orphanet 716, MedGen C0031485, MONDO:0009861, OMIM 261600. Disease mechanism: loss of function.

Allele frequency attached by ClinVar (database versions not stated): gnomAD exomes 0.00001; gnomAD 0.00001; ExAC 0.00001; TOPMed 0.00002.
gnomAD v4.1: 7 of 1,614,008 alleles (0.00043%); highest among the groups gnomAD compares: Admixed American, 0.0033%; no homozygotes.

Submissions (10):

ClinGen PAH Variant Curation Expert Panel
Classification: Likely pathogenic for Phenylketonuria. Last evaluated: 2018-09-11. Review status: reviewed by expert panel. Criteria: ClinGen PAH ACMG Specifications v1. Collection method: curation. Allele origin: germline. Inheritance: Autosomal recessive inheritance.
Comment: PAH-specific ACMG/AMP criteria applied: PM2: Extremely low frequency in gnomAD+ExAC (MAF=0.00006). Absent from 1000G, ESP.; PP4_Moderate: Detected in Costa Rican and 1 Spanish PKU patients, exclusion of defects in tetrahydrobiopterine metabolism. (PMID:8860005; PMID:8981952); PM3_Strong: Detected in trans with I269L and R408W, known pathogenic variants. (PMID:9521426; PMID:23430918). In summary this variant meets criteria to be classified as likely pathogenic for phenylketonuria in an autosomal recessive manner based on the ACMG/AMP criteria applied as specified by the PAH Expert Panel: (PM2, PP4_Moderate, PM3_Strong).

Natera, Inc.
Classification: Pathogenic for Phenylketonuria. Last evaluated: 2025-05-08. Review status: criteria provided, single submitter. Criteria: Natera Variant Classification Schema (03/2026). Collection method: clinical testing. Allele origin: germline. Not counted in ClinVar's aggregate classification.
Comment: The c.842+3G>C variant in PAH is an intronic variant located outside the canonical splice sites. This variant is rare in the general population with a frequency below the threshold expected for the associated phenotype(s). This variant has been observed in one or more individuals affected with the associated recessive disease, as either homozygous or compound heterozygous with a second variant (PMID: 23430918, 30692599, 24368688, 27121329). Computational prediction algorithms indicate this variant is likely to affect gene or protein function. Given the available evidence, this variant is classified as Pathogenic.

Labcorp Genetics (formerly Invitae), Labcorp
Classification: Pathogenic for Phenylketonuria. Last evaluated: 2024-07-06. Review status: criteria provided, single submitter. Criteria: Invitae Variant Classification Sherloc (09022015). Collection method: clinical testing. Allele origin: germline. Not counted in ClinVar's aggregate classification.
Comment: This sequence change falls in intron 7 of the PAH gene. It does not directly change the encoded amino acid sequence of the PAH protein. It affects a nucleotide within the consensus splice site. This variant is present in population databases (rs62507324, gnomAD 0.006%). This variant has been observed in individual(s) with phenylketonuria or mild hyperphenylalaninemia (PMID: 8860005, 8981952, 17096675, 19292873, 23430918, 23792259, 23942198, 24368688). This variant is also known as IVS7+3G>C. ClinVar contains an entry for this variant (Variation ID: 102871). Variants that disrupt the consensus splice site are a relatively common cause of aberrant splicing (PMID: 17576681, 9536098). Algorithms developed to predict the effect of sequence changes on RNA splicing suggest that this variant may disrupt the consensus splice site. For these reasons, this variant has been classified as Pathogenic.

Women's Health and Genetics/Laboratory Corporation of America, LabCorp
Classification: Pathogenic for Phenylketonuria. Last evaluated: 2022-04-25. Review status: criteria provided, single submitter. Criteria: LabCorp Variant Classification Summary - May 2015. Collection method: clinical testing. Allele origin: germline. Not counted in ClinVar's aggregate classification.
Comment: Variant summary: PAH c.842+3G>C alters a conserved nucleotide located close to a canonical splice site and therefore could affect mRNA splicing, leading to a significantly altered protein sequence. Several computational tools predict a significant impact on normal splicing: Three predict the variant abolishes a 5' splicing donor site. One predict the variant weakens a 5' donor site. The variant allele was found at a frequency of 1.2e-05 in 251272 control chromosomes. c.842+3G>C has been reported in the literature in multiple individuals affected with Phenylalanine Hydroxylase Deficiency (Phenylketonuria) in the homozygous and compound heterozygous state (eg. Santos_1996, Jeannesson-Thivisol_2015, Aldamiz-Echevarria_2016, etc). These data indicate that the variant is very likely to be associated with disease. Six clinical diagnostic laboratories have submitted clinical-significance assessments for this variant to ClinVar after 2014 without evidence for independent evaluation. All laboratories classified the variant as pathogenic/likely pathogenic. Based on the evidence outlined above, the variant was classified as pathogenic.

Fulgent Genetics
Classification: Pathogenic for Phenylketonuria. Last evaluated: 2022-01-11. Review status: criteria provided, single submitter. Criteria: ACMG Guidelines, 2015. Collection method: clinical testing. Allele origin: unknown. Not counted in ClinVar's aggregate classification.

New York Genome Center
Classification: Likely pathogenic for Phenylketonuria. Last evaluated: 2020-06-19. Review status: criteria provided, single submitter. Criteria: NYGC Assertion Criteria 2020. Collection method: clinical testing. Allele origin: germline. Observed: 1 heterozygote. Study: CSER-NYCKidSeq. Not counted in ClinVar's aggregate classification.

Quest Diagnostics Nichols Institute San Juan Capistrano
Classification: Pathogenic. Last evaluated: 2019-09-09. Review status: criteria provided, single submitter. Criteria: Quest Diagnostics criteria. Collection method: clinical testing. Allele origin: unknown. Not counted in ClinVar's aggregate classification.
Comment: The best available variant frequency is uninformative. Found in at least one patient with expected phenotype for this gene. Predicted to negatively affect a known splice site. In multiple individuals, this variant has been seen with a single recessive pathogenic variant in the same gene, suggesting this variant may also be pathogenic. This variant is statistically more frequent in affected individuals than in the general population and/or healthy controls.

Eurofins Ntd Llc (ga)
Classification: Pathogenic. Last evaluated: 2018-07-20. Review status: criteria provided, single submitter. Criteria: EGL ClinVar v180209 classification definitions. Collection method: clinical testing. Allele origin: germline. Observed: 1 variant allele, 1 heterozygote. Not counted in ClinVar's aggregate classification.

Counsyl
Classification: Pathogenic for Phenylketonuria. Last evaluated: 2016-03-14. Review status: no assertion criteria provided. Collection method: clinical testing. Allele origin: unknown. Not counted in ClinVar's aggregate classification.

DeBelle Laboratory for Biochemical Genetics, MUHC/MCH RESEARCH INSTITUTE
No classification provided. Review status: no classification provided. Collection method: not provided. Allele origin: not provided. Not counted in ClinVar's aggregate classification.

Literature cited by the submitters: PubMed 23430918 (cited by 5 submitters); PubMed 9521426 (cited by 3 submitters); PubMed 8860005 (cited by 4 submitters); PubMed 8981952 (cited by 4 submitters); PubMed 30692599 (cited by Natera, Inc.); PubMed 24368688 (cited by 4 submitters); PubMed 27121329 (cited by Natera, Inc. and Women's Health and Genetics/Laboratory Corporation of America, LabCorp); PubMed 17096675 (cited by 3 submitters); PubMed 19292873 (cited by Labcorp Genetics (formerly Invitae), Labcorp and Quest Diagnostics Nichols Institute San Juan Capistrano); PubMed 23792259 (cited by 3 submitters); PubMed 23942198 (cited by Labcorp Genetics (formerly Invitae), Labcorp and Counsyl); PubMed 17576681 (cited by Labcorp Genetics (formerly Invitae), Labcorp); PubMed 9536098 (cited by Labcorp Genetics (formerly Invitae), Labcorp); PubMed 26666653 (cited by 3 submitters).

NM_000277.3(PAH):c.842+3G>C

Gene: PAH (phenylalanine hydroxylase; minus strand). Cytogenetic location: 12q23.2.
Variant type: single nucleotide variant.
Coding change: c.842+3G>C on transcript NM_000277.3 (MANE Select); 3 bases into the intron after coding-DNA position 842, G replaced by C.
Molecular consequence: intron variant.
Genome position (GRCh38, 1-based): chr12:102,852,812, C>G on the plus strand (G>C on the coding strand, the complement: PAH is on the minus strand). VCF-style: chr12-102852812-C-G. GRCh37 (hg19) VCF-style: chr12-103246590-C-G.
Other names: NM_000277.2(PAH):c.842+3G>C; c.842+3G>C (NM_001354304.2, NM_000277.2).
Identifiers: ClinVar variation 102871 (VCV000102871.21), dbSNP rs62507324, ClinGen allele CA229814.